The following is an entry in ClinVar:

NM_001211.6(BUB1B):c.2423A>C (p.Asn808Thr)

Gene: BUB1B (BUB1 mitotic checkpoint serine/threonine kinase B; plus strand). Cytogenetic location: 15q15.1.
Variant type: single nucleotide variant.
Coding change: c.2423A>C on transcript NM_001211.6 (MANE Select); coding-DNA position 2423, A replaced by C.
Protein change: p.Asn808Thr; replaces asparagine 808 with threonine.
Molecular consequence: missense variant.
Genome position (GRCh38, 1-based): chr15:40,212,536, A>C. VCF-style: chr15-40212536-A-C. GRCh37 (hg19) VCF-style: chr15-40504737-A-C.
Other names: short protein forms N808T.
Identifiers: ClinVar variation 2565455 (VCV002565455.2), dbSNP rs2542575348, ClinGen allele CA391695176.

ClinVar aggregate classification (germline): Uncertain significance (1 of 4 stars; one submission).

Conditions:
Inborn genetic diseases. Identifiers: MedGen C0950123, MeSH D030342.

Submission:

Ambry Genetics
Classification: Uncertain significance for Inborn genetic diseases. Last evaluated: 2023-04-28. Review status: criteria provided, single submitter. Criteria: Ambry Variant Classification Scheme 2023. Collection method: clinical testing. Allele origin: germline.
Comment: The p.N808T variant (also known as c.2423A>C), located in coding exon 19 of the BUB1B gene, results from an A to C substitution at nucleotide position 2423. The asparagine at codon 808 is replaced by threonine, an amino acid with similar properties. This amino acid position is conserved. In addition, this alteration is predicted to be tolerated by in silico analysis. Since supporting evidence is limited at this time, the clinical significance of this alteration remains unclear.